The following is an entry in ClinVar:

NM_002485.5(NBN):c.2226_2234+4del

Gene: NBN (nibrin; minus strand). Cytogenetic location: 8q21.3.
Variant type: Deletion.
Coding change: c.2226_2234+4del on transcript NM_002485.5 (MANE Select); coding-DNA position 2226 through 4 bases into the intron after coding-DNA position 2234, 13 bases deleted (TCTTTTTAGGTAA).
Molecular consequence: splice donor variant.
Genome position (GRCh38, 1-based): chr8:89,937,022-89,937,034, TTACCTAAAAAGA deleted on the plus strand (TCTTTTTAGGTAA on the coding strand, the reverse complement: NBN is on the minus strand); deleting any 13 consecutive bases within chr8:89,937,022-89,937,035 gives the same sequence; the c. name uses the placement nearest the transcript's 3' end. VCF-style (leftmost placement, unchanged base first): chr8-89937021-TTTACCTAAAAAGA-T. GRCh37 (hg19) VCF-style: chr8-90949249-TTTACCTAAAAAGA-T.
Other names: c.2226_2234+4del13 (NM_002485.4); c.1980_1988+4del (NM_001024688.3).
Identifiers: ClinVar variation 570009 (VCV000570009.9), dbSNP rs1563497529, ClinGen allele CA891842831.
Genomic context (GRCh38, chr8:89,937,021, plus strand): 5'-ATGAACAGAACTAAATTTTATATACATCTCTCAAAGGTACATGAGAAAGGTGAATCAAAC[TTTACCTAAAAAGA>T]TCATCAGCAAGAGACTCTTCTTTTGCATGTTGATTTTGTACCTGTCAAAATTAACATAAT-3'

ClinVar aggregate classification (germline): Likely pathogenic. Review status: criteria provided, multiple submitters, no conflicts (2 of 4 stars). 2 submissions from 2 submitters: Likely pathogenic (2). Last evaluated 2024-05-06.

Conditions:
Hereditary cancer-predisposing syndrome. Also called: Hereditary neoplastic syndrome; Neoplastic Syndromes, Hereditary; Hereditary Cancer Syndrome; Tumor predisposition. Identifiers: Orphanet 140162, MedGen C0027672, MeSH D009386, MONDO:0015356.
Microcephaly, normal intelligence and immunodeficiency (NBS). Also called: BERLIN BREAKAGE SYNDROME; Immunodeficiency, microcephaly with normal intelligence; Ataxia telangiectasia variant V1; Nijmegen breakage syndrome; Microcephaly with normal intelligence immunodeficiency and lymphoreticular malignancies; Nonsyndromal microcephaly autosomal recessive with normal intelligence. Identifiers: Orphanet 647, MedGen C0398791, MONDO:0009623, OMIM 251260.

Submissions (2):

Labcorp Genetics (formerly Invitae), Labcorp
Classification: Likely pathogenic for Microcephaly, normal intelligence and immunodeficiency. Last evaluated: 2024-05-06. Review status: criteria provided, single submitter. Criteria: Invitae Variant Classification Sherloc (09022015). Collection method: clinical testing. Allele origin: germline.
Comment: This variant results in the deletion of part of exon 15 (c.2226_2234+4del) of the NBN gene. While this variant is not anticipated to result in nonsense mediated decay, it likely alters RNA splicing and results in a disrupted protein product. This variant is not present in population databases (gnomAD no frequency). This variant has not been reported in the literature in individuals affected with NBN-related conditions. ClinVar contains an entry for this variant (Variation ID: 570009). Variants that disrupt the consensus splice site are a relatively common cause of aberrant splicing (PMID: 17576681, 9536098). This variant disrupts the ATM interaction domain of the NBN protein (PMID: 24894818, 21035407), which is important for activating ATM in the double-strand break repair pathway (PMID: 15964794, 15048089). While functional studies have not been performed to directly test the effect of this variant on NBN protein function, this suggests that disruption of this region of the protein is causative of disease. In summary, the currently available evidence indicates that the variant is pathogenic, but additional data are needed to prove that conclusively. Therefore, this variant has been classified as Likely Pathogenic.

Ambry Genetics
Classification: Likely pathogenic for Hereditary cancer-predisposing syndrome. Last evaluated: 2020-01-14. Review status: criteria provided, single submitter. Criteria: Ambry Variant Classification Scheme 2023. Collection method: clinical testing. Allele origin: germline.
Comment: The c.2226_2234+4del13 variant results from a deletion of 13 nucleotides at the splice junction boundary of coding exon 15 and intron 15 of the ATM gene. The deleted nucleotide region is well conserved in available vertebrate species. Using the BDGP and ESEfinder splice site prediction tools, this alteration is predicted to abolish the native splice donor site; however, direct evidence is unavailable. Alterations that disrupt the canonical splice site are expected to cause aberrant splicing, resulting in an abnormal protein. As such, this alteration is classified as likely pathogenic.

Literature cited by the submitters: PubMed 17576681 (cited by Labcorp Genetics (formerly Invitae), Labcorp); PubMed 9536098 (cited by Labcorp Genetics (formerly Invitae), Labcorp); PubMed 24894818 (cited by Labcorp Genetics (formerly Invitae), Labcorp); PubMed 21035407 (cited by Labcorp Genetics (formerly Invitae), Labcorp); PubMed 15964794 (cited by Labcorp Genetics (formerly Invitae), Labcorp); PubMed 15048089 (cited by Labcorp Genetics (formerly Invitae), Labcorp).